The following is an entry in ClinVar:

ClinVar aggregate classification (germline): Benign/Likely benign. Review status: criteria provided, multiple submitters, no conflicts (2 of 4 stars). 2 submissions from 2 submitters: Benign (1); Likely benign (1). Last evaluated 2022-03-16.

Conditions:
Renal hypomagnesemia 4. Also called: HYPOMAGNESEMIA, RENAL, NORMOCALCIURIC. Identifiers: Orphanet 34527, MedGen C2673648, MONDO:0012717, OMIM 611718.

Allele frequency attached by ClinVar (database versions not stated): gnomAD 0.00785 and 0.00832; TOPMed 0.00884; 1000 Genomes Project 0.01058; 1000 Genomes Project 30x 0.01093.
gnomAD v4.1: 1,204 of 188,554 alleles (0.64%); highest among the groups gnomAD compares: African/African-American, 2.7%; 14 homozygotes.

Submissions (2):

GeneDx
Classification: Likely benign. Last evaluated: 2022-03-16. Review status: criteria provided, single submitter. Criteria: GeneDx Variant Classification Process June 2021. Collection method: clinical testing. Allele origin: germline. Affected: yes.

Illumina Laboratory Services, Illumina
Classification: Benign for Renal hypomagnesemia 4. Last evaluated: 2018-01-13. Review status: criteria provided, single submitter. Criteria: ICSL Variant Classification Criteria 13 December 2019. Collection method: clinical testing. Allele origin: germline.
Comment: This variant was observed in the ICSL laboratory as part of a predisposition screen in an ostensibly healthy population. It had not been previously curated by ICSL or reported in the Human Gene Mutation Database (HGMD: prior to June 1st, 2018), and was therefore a candidate for classification through an automated scoring system. Utilizing variant allele frequency, disease prevalence and penetrance estimates, and inheritance mode, an automated score was calculated to assess if this variant is too frequent to cause the disease. Based on the score and internal cut-off values, a variant classified as benign is not then subjected to further curation. The score for this variant resulted in a classification of benign for this disease.

NM_001963.6(EGF):c.-424G>A

Gene: EGF (epidermal growth factor; plus strand). Cytogenetic location: 4q25.
Variant type: single nucleotide variant.
Coding change: c.-424G>A on transcript NM_001963.6 (MANE Select); 424 bases upstream of the start codon, G replaced by A.
Molecular consequence: 5 prime UTR variant.
Genome position (GRCh38, 1-based): chr4:109,912,912, G>A. VCF-style: chr4-109912912-G-A. GRCh37 (hg19) VCF-style: chr4-110834068-G-A.
Other names: c.-424G>A (NM_001178130.3, NM_001178131.3, NM_001357021.2).
Identifiers: ClinVar variation 901088 (VCV000901088.5), dbSNP rs35397046, ClinGen allele CA103746120.